The following is an entry in ClinVar:

ClinVar aggregate classification (germline): Pathogenic (1 of 4 stars; one submission).

Conditions:
Spastic paraplegia. Identifiers: MedGen C0037772, HP:0001258.

Submission:

Labcorp Genetics (formerly Invitae), Labcorp
Classification: Pathogenic for Spastic paraplegia. Last evaluated: 2023-09-27. Review status: criteria provided, single submitter. Criteria: Invitae Variant Classification Sherloc (09022015). Collection method: clinical testing. Allele origin: germline.
Comment: For these reasons, this variant has been classified as Pathogenic. Algorithms developed to predict the effect of sequence changes on RNA splicing suggest that this variant may disrupt the consensus splice site. This variant has not been reported in the literature in individuals affected with GBA2-related conditions. This variant is not present in population databases (gnomAD no frequency). This sequence change creates a premature translational stop signal (p.Gln371*) in the GBA2 gene. It is expected to result in an absent or disrupted protein product. Loss-of-function variants in GBA2 are known to be pathogenic (PMID: 23332916, 23332917).

Literature cited by the submitters: PubMed 23332916; PubMed 23332917.

NM_020944.3(GBA2):c.1111C>T (p.Gln371Ter)

Gene: GBA2 (glucosylceramidase beta 2; minus strand). Cytogenetic location: 9p13.3.
Variant type: single nucleotide variant.
Coding change: c.1111C>T on transcript NM_020944.3 (MANE Select); coding-DNA position 1111, C replaced by T.
Protein change: p.Gln371Ter; replaces glutamine 371 with a stop codon.
Molecular consequence: nonsense.
Genome position (GRCh38, 1-based): chr9:35,740,544, G>A on the plus strand (C>T on the coding strand, the complement: GBA2 is on the minus strand). VCF-style: chr9-35740544-G-A. GRCh37 (hg19) VCF-style: chr9-35740541-G-A.
Other names: c.1111C>T, p.Gln371Ter (NM_001330660.2); short protein forms Q371*.
Identifiers: ClinVar variation 2730218 (VCV002730218.3), dbSNP rs2490887236, ClinGen allele CA373415459.